The following is an entry in ClinVar:

NM_003919.3(SGCE):c.704_707del (p.Cys235fs)

Genes: CASD1 (CAS1 domain sialic acid O acetyltransferase 1; plus strand), SGCE (sarcoglycan epsilon; minus strand). Cytogenetic location: 7q21.3.
Variant type: Deletion.
Coding change: c.704_707del on transcript NM_003919.3 (MANE Select); coding-DNA positions 704 to 707, 4 bases deleted (GTTT; older notation c.704_707delGTTT).
Protein change: p.Cys235fs; shifts the reading frame from cysteine 235.
Molecular consequence: frameshift variant.
Genome position (GRCh38, 1-based): chr7:94,603,408-94,603,411, AAAC deleted on the plus strand (GTTT on the coding strand, the reverse complement: SGCE is on the minus strand); deleting any 4 consecutive bases within chr7:94,603,408-94,603,413 gives the same sequence; the c. name uses the placement nearest the transcript's 3' end. VCF-style (leftmost placement, unchanged base first): chr7-94603407-TAAAC-T. GRCh37 (hg19) VCF-style: chr7-94232719-TAAAC-T.
Other names: c.617_620del, p.Cys206fs (NM_001362807.2, NM_001346719.2); c.431_434del, p.Cys144fs (NM_001362808.2, NM_001346720.2); c.581_584del, p.Cys194fs (NM_001362809.2, NM_001301139.2); c.704_707del, p.Cys235fs (NM_001099400.2, NM_001099401.2, NM_001346717.2); c.812_815del, p.Cys271fs (NM_001346713.2, NM_001346715.2); short protein forms C144fs, C235fs, C271fs, C194fs, C206fs.
Identifiers: ClinVar variation 1442309 (VCV001442309.6), dbSNP rs2116724268, ClinGen allele CA2573142510.

ClinVar aggregate classification (germline): Pathogenic (1 of 4 stars; one submission).

Conditions:
Myoclonic dystonia 11 (DYT11). Also called: Myoclonic dystonia; Dystonia 11; Dystonia, alcohol responsive; Hereditary essential myoclonus; SGCE Myoclonus-Dystonia; Myoclonus-Dystonia. Identifiers: Orphanet 36899, MedGen C1834570, MONDO:0008044, OMIM 159900.

Submission:

Labcorp Genetics (formerly Invitae), Labcorp
Classification: Pathogenic for Myoclonic dystonia 11. Last evaluated: 2022-04-21. Review status: criteria provided, single submitter. Criteria: Invitae Variant Classification Sherloc (09022015). Collection method: clinical testing. Allele origin: germline.
Comment: This variant is not present in population databases (gnomAD no frequency). For these reasons, this variant has been classified as Pathogenic. This variant has not been reported in the literature in individuals affected with SGCE-related conditions. This sequence change creates a premature translational stop signal (p.Cys235Tyrfs*11) in the SGCE gene. It is expected to result in an absent or disrupted protein product. Loss-of-function variants in SGCE are known to be pathogenic (PMID: 12821748, 15389977, 17853490, 24297365).

Literature cited by the submitters: PubMed 12821748; PubMed 15389977; PubMed 17853490; PubMed 24297365.